The following is an entry in ClinVar:

NM_018062.4(FANCL):c.374+4592A>T

Gene: FANCL (FA complementation group L; minus strand). Cytogenetic location: 2p16.1.
Variant type: single nucleotide variant.
Coding change: c.374+4592A>T on transcript NM_018062.4 (MANE Select); 4592 bases into the intron after coding-DNA position 374, A replaced by T.
Molecular consequence: intron variant.
Genome position (GRCh38, 1-based): chr2:58,217,350, T>A on the plus strand (A>T on the coding strand, the complement: FANCL is on the minus strand). VCF-style: chr2-58217350-T-A. GRCh37 (hg19) VCF-style: chr2-58444485-T-A.
Other names: c.374+4592A>T (NM_001438889.1, NM_001114636.2, NM_001438890.1 and 3 more transcripts); c.96+23868A>T (NM_001438892.1).
Identifiers: ClinVar variation 4823777 (VCV004823777.4).

ClinVar aggregate classification (germline): Likely benign (1 of 4 stars; one submission).

Submission:

CeGaT Center for Human Genetics Tuebingen
Classification: Likely benign. Last evaluated: 2026-03-01. Review status: criteria provided, single submitter. Criteria: CeGaT Center For Human Genetics Tuebingen Variant Classification Criteria Version 2. Collection method: clinical testing. Allele origin: germline. Affected: yes. Observed: 1 variant allele.
Comment: FANCL: PM2:Supporting, BP4, BP7